The following is an entry in ClinVar:

ClinVar aggregate classification (germline): Likely benign (1 of 4 stars; one submission).

Submission:

CeGaT Center for Human Genetics Tuebingen
Classification: Likely benign. Last evaluated: 2025-01-01. Review status: criteria provided, single submitter. Criteria: CeGaT Center For Human Genetics Tuebingen Variant Classification Criteria Version 2. Collection method: clinical testing. Allele origin: germline. Affected: yes. Observed: 1 variant allele.
Comment: TRAPPC4: BP4, BP7

NM_016146.6(TRAPPC4):c.120C>T (p.Leu40=)

Gene: TRAPPC4 (trafficking protein particle complex subunit 4; plus strand). Cytogenetic location: 11q23.3.
Variant type: single nucleotide variant.
Coding change: c.120C>T on transcript NM_016146.6 (MANE Select); coding-DNA position 120, C replaced by T.
Protein change: p.Leu40=; no amino-acid change (leucine 40 retained).
Molecular consequence: synonymous variant. On other transcripts: 5 prime UTR variant (2).
Genome position (GRCh38, 1-based): chr11:119,018,915, C>T. VCF-style: chr11-119018915-C-T. GRCh37 (hg19) VCF-style: chr11-118889625-C-T.
Other names: c.-95C>T (NM_001318486.2); c.120C>T, p.Leu40= (NM_001318488.2, NM_001318489.2, NM_001318490.2 and 1 more transcripts); c.-303C>T (NM_001318492.2).
Identifiers: ClinVar variation 3771443 (VCV003771443.13).